The following is an entry in ClinVar:

NM_030962.4(SBF2):c.5231+14C>T

Genes: SBF2-AS1 (SBF2 antisense RNA 1; plus strand), SBF2 (SET binding factor 2; minus strand), LOC105369149 (uncharacterized LOC105369149; plus strand). Cytogenetic location: 11p15.4.
Variant type: single nucleotide variant.
Coding change: c.5231+14C>T on transcript NM_030962.4 (MANE Select); 14 bases into the intron after coding-DNA position 5231, C replaced by T.
Molecular consequence: intron variant.
Genome position (GRCh38, 1-based): chr11:9,785,111, G>A on the plus strand (C>T on the coding strand, the complement: SBF2 is on the minus strand). VCF-style: chr11-9785111-G-A. GRCh37 (hg19) VCF-style: chr11-9806658-G-A.
Other names: c.5102+14C>T (NM_001386342.1); c.5327+14C>T (NM_001386339.1).
Identifiers: ClinVar variation 306577 (VCV000306577.18), dbSNP rs371184526, ClinGen allele CA5880770.

ClinVar aggregate classification (germline): Benign/Likely benign. Review status: criteria provided, multiple submitters, no conflicts (2 of 4 stars). 7 submissions from 7 submitters: Benign (1); Likely benign (5). 1 of the submissions does not count toward it. Last evaluated 2026-01-14.

Conditions:
SBF2-related disorder. Also called: SBF2-related condition.
Charcot-Marie-Tooth disease. Also called: Charcot-Marie-Tooth Neuropathy; Charcot-Marie-Tooth Hereditary Neuropathy. Identifiers: Orphanet 166, MedGen C0007959, MONDO:0015626.
Charcot-Marie-Tooth disease type 4. Also called: Charcot-Marie-Tooth disease, type IV; Charcot-Marie-Tooth, Type 4. Identifiers: Orphanet 64749, MedGen C4082197, MONDO:0018995.
Charcot-Marie-Tooth disease type 4B2. Also called: Charcot-Marie-Tooth Neuropathy Type 4B2; CHARCOT-MARIE-TOOTH DISEASE, WITH FOCALLY FOLDED MYELIN SHEATHS, AUTOSOMAL RECESSIVE, TYPE 4B2; CMT 4B2; CHARCOT-MARIE-TOOTH DISEASE, DEMYELINATING, TYPE 4B2. Identifiers: Orphanet 99956, MedGen C1858278, MONDO:0011475, OMIM 604563.

Allele frequency attached by ClinVar (database versions not stated): TOPMed 0.00005; gnomAD 0.00008 and 0.00017; ESP Exome Variant Server 0.00015; 1000 Genomes Project 30x 0.00031; gnomAD exomes 0.00033 and 0.00062; 1000 Genomes Project 0.00040; ExAC 0.00073.
gnomAD v4.1: 500 of 1,611,724 alleles (0.031%); highest among the groups gnomAD compares: South Asian, 0.48%; 1 homozygote.

Submissions (7):

Labcorp Genetics (formerly Invitae), Labcorp
Classification: Benign for Charcot-Marie-Tooth disease type 4. Last evaluated: 2026-01-14. Review status: criteria provided, single submitter. Criteria: Invitae Variant Classification Sherloc (09022015). Collection method: clinical testing. Allele origin: germline.

Women's Health and Genetics/Laboratory Corporation of America, LabCorp
Classification: Likely benign. Last evaluated: 2025-11-25. Review status: criteria provided, single submitter. Criteria: LabCorp Variant Classification Summary - May 2015. Collection method: clinical testing. Allele origin: germline.

GeneDx
Classification: Likely benign. Last evaluated: 2018-04-25. Review status: criteria provided, single submitter. Criteria: GeneDx Variant Classification Process June 2021. Collection method: clinical testing. Allele origin: germline. Affected: yes.

Illumina Laboratory Services, Illumina
Classification: Likely benign for Charcot-Marie-Tooth disease type 4B2. Last evaluated: 2018-01-12. Review status: criteria provided, single submitter. Criteria: ICSL Variant Classification Criteria 13 December 2019. Collection method: clinical testing. Allele origin: germline.
Comment: This variant was observed in the ICSL laboratory as part of a predisposition screen in an ostensibly healthy population. It had not been previously curated by ICSL or reported in the Human Gene Mutation Database (HGMD: prior to June 1st, 2018), and was therefore a candidate for classification through an automated scoring system. Utilizing variant allele frequency, disease prevalence and penetrance estimates, and inheritance mode, an automated score was calculated to assess if this variant is too frequent to cause the disease. Based on the score and internal cut-off values, a variant classified as likely benign is not then subjected to further curation. The score for this variant resulted in a classification of likely benign for this disease.

Breakthrough Genomics
Classification: Likely benign. Review status: criteria provided, single submitter. Criteria: ACMG Guidelines, 2015. Collection method: not provided. Allele origin: germline. Inheritance: Autosomal recessive inheritance. Affected: yes.

Molecular Genetics Laboratory, London Health Sciences Centre
Classification: Likely benign for Charcot-Marie-Tooth disease. Review status: criteria provided, single submitter. Criteria: ACMG Guidelines, 2015. Collection method: clinical testing. Allele origin: germline. Affected: yes.

PreventionGenetics, part of Exact Sciences
Classification: Likely benign for SBF2-related condition. Last evaluated: 2021-03-09. Review status: no assertion criteria provided. Collection method: clinical testing. Allele origin: germline. Not counted in ClinVar's aggregate classification.
Comment: This variant is classified as likely benign based on ACMG/AMP sequence variant interpretation guidelines (Richards et al. 2015 PMID: 25741868, with internal and published modifications).